The following is an entry in ClinVar:

ClinVar aggregate classification (germline): Uncertain significance (1 of 4 stars; one submission).

Submission:

GeneDx
Classification: Uncertain significance. Last evaluated: 2019-10-08. Review status: criteria provided, single submitter. Criteria: GeneDx Variant Classification Process June 2021. Collection method: clinical testing. Allele origin: germline. Affected: yes.
Comment: Not observed in large population cohorts (Lek et al., 2016); In silico analysis, which includes protein predictors and evolutionary conservation, supports a deleterious effect; Has not been previously published as pathogenic or benign to our knowledge

NM_005121.3(MED13):c.4094C>G (p.Ser1365Cys)

Gene: MED13 (mediator complex subunit 13; minus strand). Cytogenetic location: 17q23.2.
Variant type: single nucleotide variant.
Coding change: c.4094C>G on transcript NM_005121.3 (MANE Select); coding-DNA position 4094, C replaced by G.
Protein change: p.Ser1365Cys; replaces serine 1365 with cysteine.
Molecular consequence: missense variant.
Genome position (GRCh38, 1-based): chr17:61,968,132, G>C on the plus strand (C>G on the coding strand, the complement: MED13 is on the minus strand). VCF-style: chr17-61968132-G-C. GRCh37 (hg19) VCF-style: chr17-60045493-G-C.
Other names: short protein forms S1365C.
Identifiers: ClinVar variation 1308933 (VCV001308933.2), dbSNP rs1402020468, ClinGen allele CA400498535.